The following is an entry in ClinVar:

NM_000257.4(MYH7):c.133G>A (p.Glu45Lys)

Gene: MYH7 (myosin heavy chain 7; minus strand). Cytogenetic location: 14q11.2.
Variant type: single nucleotide variant.
Coding change: c.133G>A on transcript NM_000257.4 (MANE Select); coding-DNA position 133, G replaced by A.
Protein change: p.Glu45Lys; replaces glutamic acid 45 with lysine.
Molecular consequence: missense variant.
Genome position (GRCh38, 1-based): chr14:23,433,600, C>T on the plus strand (G>A on the coding strand, the complement: MYH7 is on the minus strand). VCF-style: chr14-23433600-C-T. GRCh37 (hg19) VCF-style: chr14-23902809-C-T.
Other names: c.133G>A, p.Glu45Lys (NM_001407004.1); short protein forms E45K.
Identifiers: ClinVar variation 2785207 (VCV002785207.3), dbSNP rs2502322469, ClinGen allele CA389053795.

ClinVar aggregate classification (germline): Uncertain significance (1 of 4 stars; one submission).

Conditions:
Hypertrophic cardiomyopathy. Also called: HYPERTROPHIC MYOCARDIOPATHY. Identifiers: Orphanet 217569, MedGen C0007194, MeSH D002312, MONDO:0005045, HP:0001639.

Submission:

Labcorp Genetics (formerly Invitae), Labcorp
Classification: Uncertain significance for Hypertrophic cardiomyopathy. Last evaluated: 2023-06-17. Review status: criteria provided, single submitter. Criteria: Invitae Variant Classification Sherloc (09022015). Collection method: clinical testing. Allele origin: germline.
Comment: This sequence change replaces glutamic acid, which is acidic and polar, with lysine, which is basic and polar, at codon 45 of the MYH7 protein (p.Glu45Lys). In summary, the available evidence is currently insufficient to determine the role of this variant in disease. Therefore, it has been classified as a Variant of Uncertain Significance. Advanced modeling of protein sequence and biophysical properties (such as structural, functional, and spatial information, amino acid conservation, physicochemical variation, residue mobility, and thermodynamic stability) performed at Invitae indicates that this missense variant is expected to disrupt MYH7 protein function. This missense change has been observed in individual(s) with hypertrophic cardiomyopathy (Invitae). This variant is not present in population databases (gnomAD no frequency).